The following is an entry in ClinVar:

ClinVar aggregate classification (germline): Conflicting classifications of pathogenicity. Review status: criteria provided, conflicting classifications (1 of 4 stars). 3 submissions from 3 submitters: Uncertain significance (2); Likely benign (1). Last evaluated 2025-01-24.

Conditions:
Fanconi anemia complementation group G. Also called: FANCG-Related Fanconi Anemia; Fanconi anemia group G. Identifiers: Orphanet 84, MedGen C3469527, MONDO:0013565, OMIM 614082.
Inborn genetic diseases. Identifiers: MedGen C0950123, MeSH D030342.

Submissions (3):

Ambry Genetics
Classification: Uncertain significance for Inborn genetic diseases. Last evaluated: 2025-01-24. Review status: criteria provided, single submitter. Criteria: Ambry Variant Classification Scheme 2023. Collection method: clinical testing. Allele origin: germline.
Comment: The p.S383F variant (also known as c.1148C>T), located in coding exon 10 of the FANCG gene, results from a C to T substitution at nucleotide position 1148. The serine at codon 383 is replaced by phenylalanine, an amino acid with highly dissimilar properties. This amino acid position is conserved. In addition, this alteration is predicted to be tolerated by in silico analysis. Based on the available evidence, the clinical significance of this variant remains unclear.

Blueprint Genetics
Classification: Likely benign. Last evaluated: 2024-10-08. Review status: criteria provided, single submitter. Criteria: ACMG Guidelines, 2015. Collection method: clinical testing. Allele origin: germline.

Fulgent Genetics
Classification: Uncertain significance for Fanconi anemia complementation group G. Last evaluated: 2024-02-27. Review status: criteria provided, single submitter. Criteria: ACMG Guidelines, 2015. Collection method: clinical testing. Allele origin: germline.

NM_004629.2(FANCG):c.1148C>T (p.Ser383Phe)

Gene: FANCG (FA complementation group G; minus strand). Cytogenetic location: 9p13.3.
Variant type: single nucleotide variant.
Coding change: c.1148C>T on transcript NM_004629.2 (MANE Select); coding-DNA position 1148, C replaced by T.
Protein change: p.Ser383Phe; replaces serine 383 with phenylalanine.
Molecular consequence: missense variant.
Genome position (GRCh38, 1-based): chr9:35,075,750, G>A on the plus strand (C>T on the coding strand, the complement: FANCG is on the minus strand). VCF-style: chr9-35075750-G-A. GRCh37 (hg19) VCF-style: chr9-35075747-G-A.
Other names: short protein forms S383F.
Identifiers: ClinVar variation 3597281 (VCV003597281.3).